The following is an entry in ClinVar:

NM_001868.4(CPA1):c.710G>A (p.Arg237His)

Gene: CPA1 (carboxypeptidase A1; plus strand). Cytogenetic location: 7q32.2.
Variant type: single nucleotide variant.
Coding change: c.710G>A on transcript NM_001868.4 (MANE Select); coding-DNA position 710, G replaced by A.
Protein change: p.Arg237His; replaces arginine 237 with histidine.
Molecular consequence: missense variant.
Genome position (GRCh38, 1-based): chr7:130,384,549, G>A. VCF-style: chr7-130384549-G-A. GRCh37 (hg19) VCF-style: chr7-130024390-G-A.
Other names: c.710G>A (NM_001868.2); short protein forms R237H.
Identifiers: ClinVar variation 1471819 (VCV001471819.9), dbSNP rs371545225, ClinGen allele CA4484919.

ClinVar aggregate classification (germline): Uncertain significance. Review status: criteria provided, multiple submitters, no conflicts (2 of 4 stars). 2 submissions from 2 submitters: Uncertain significance (2). Last evaluated 2025-05-06.

Conditions:
Hereditary pancreatitis (PCTT). Also called: PRSS1-Related Hereditary Pancreatitis; Hereditary chronic pancreatitis. Identifiers: Orphanet 676, MedGen C0238339, MONDO:0008185, OMIM 167800.

Allele frequency attached by ClinVar (database versions not stated): gnomAD 0.00001; ExAC 0.00002; gnomAD exomes 0.00002; TOPMed 0.00002; ESP Exome Variant Server 0.00008.
gnomAD v4.1: 14 of 1,614,036 alleles (0.00087%); highest among the groups gnomAD compares: Admixed American, 0.0033%; no homozygotes.

Submissions (2):

Labcorp Genetics (formerly Invitae), Labcorp
Classification: Uncertain significance. Last evaluated: 2025-05-06. Review status: criteria provided, single submitter. Criteria: Invitae Variant Classification Sherloc (09022015). Collection method: clinical testing. Allele origin: germline.
Comment: This sequence change replaces arginine, which is basic and polar, with histidine, which is basic and polar, at codon 237 of the CPA1 protein (p.Arg237His). This variant is present in population databases (rs371545225, gnomAD 0.009%). This variant has not been reported in the literature in individuals affected with CPA1-related conditions. ClinVar contains an entry for this variant (Variation ID: 1471819). Invitae Evidence Modeling of protein sequence and biophysical properties (such as structural, functional, and spatial information, amino acid conservation, physicochemical variation, residue mobility, and thermodynamic stability) indicates that this missense variant is expected to disrupt CPA1 protein function with a positive predictive value of 80%. Experimental studies have shown that this missense change affects CPA1 function (PMID: 23955596). In summary, the available evidence is currently insufficient to determine the role of this variant in disease. Therefore, it has been classified as a Variant of Uncertain Significance.

Ambry Genetics
Classification: Uncertain significance for Hereditary pancreatitis. Last evaluated: 2025-01-23. Review status: criteria provided, single submitter. Criteria: Ambry Variant Classification Scheme 2023. Collection method: clinical testing. Allele origin: germline.
Comment: The p.R237H variant (also known as c.710G>A), located in coding exon 7 of the CPA1 gene, results from a G to A substitution at nucleotide position 710. The arginine at codon 237 is replaced by histidine, an amino acid with highly similar properties. This variant was identified in 0 individuals with chronic pancreatitis and 2 controls; in vitro studies demonstrated apparent CPA1 activity and secretion levels compared to wild type of 0% and 81%, respectively (Witt H et al. Nat Genet, 2013 Oct;45:1216-20). This amino acid position is highly conserved in available vertebrate species. In addition, this alteration is predicted to be deleterious by in silico analysis. Based on the available evidence, the clinical significance of this variant remains unclear.

Literature cited by the submitters: PubMed 23955596 (cited by Labcorp Genetics (formerly Invitae), Labcorp and Ambry Genetics).